The following is an entry in ClinVar:

ClinVar aggregate classification (germline): Uncertain significance (1 of 4 stars; one submission).

Conditions:
Candidiasis, familial, 9 (CANDF9). Identifiers: Orphanet 1334, MedGen C4225324, MONDO:0014642, OMIM 616445.

Submission:

Labcorp Genetics (formerly Invitae), Labcorp
Classification: Uncertain significance for Candidiasis, familial, 9. Last evaluated: 2026-01-26. Review status: criteria provided, single submitter. Criteria: Invitae Variant Classification Sherloc (09022015). Collection method: clinical testing. Allele origin: germline.
Comment: This sequence change replaces histidine, which is basic and polar, with glutamine, which is neutral and polar, at codon 368 of the IL17RC protein (p.His368Gln). This variant is present in population databases (rs761725488, gnomAD 0.0009%). This variant has not been reported in the literature in individuals affected with IL17RC-related conditions. An algorithm developed to predict the effect of missense changes on protein structure and function (PolyPhen-2) suggests that this variant is likely to be tolerated. In summary, the available evidence is currently insufficient to determine the role of this variant in disease. Therefore, it has been classified as a Variant of Uncertain Significance.

NM_153460.4(IL17RC):c.891C>G (p.His297Gln)

Gene: IL17RC (interleukin 17 receptor C; plus strand). Cytogenetic location: 3p25.3.
Variant type: single nucleotide variant.
Coding change: c.891C>G on transcript NM_153460.4 (MANE Select); coding-DNA position 891, C replaced by G.
Protein change: p.His297Gln; replaces histidine 297 with glutamine.
Molecular consequence: missense variant. On other transcripts: non-coding transcript variant (1).
Genome position (GRCh38, 1-based): chr3:9,928,318, C>G. VCF-style: chr3-9928318-C-G. GRCh37 (hg19) VCF-style: chr3-9970002-C-G.
Other names: c.891C>G, p.His297Gln (NM_001203263.2, NM_001203264.2); c.846C>G, p.His282Gln (NM_001203265.2, NM_001367280.1, NM_001410711.1 and 1 more transcripts); c.852C>G, p.His284Gln (NM_001367278.1); c.771C>G, p.His257Gln (NM_001367279.1); c.1104C>G, p.His368Gln (NM_153461.4); short protein forms H257Q, H284Q, H368Q, H297Q, H282Q.
Identifiers: ClinVar variation 4707172 (VCV004707172.1).